The following is an entry in ClinVar:

ClinVar aggregate classification (germline): Uncertain significance (1 of 4 stars; one submission).

Conditions:
KIDINS220-related disorder. Also called: KIDINS220-related condition.

Submission:

PreventionGenetics, part of Exact Sciences
Classification: Uncertain significance for KIDINS220-related condition. Last evaluated: 2025-05-07. Review status: criteria provided, single submitter. Criteria: ACMG Guidelines, 2015. Collection method: clinical testing. Allele origin: germline.
Comment: The KIDINS220 c.5106G>T variant is predicted to result in the amino acid substitution p.Met1702Ile. To our knowledge, this variant has not been reported in the literature or in a large population database (gnomAD), indicating this variant is rare. At this time, the clinical significance of this variant is uncertain due to the absence of conclusive functional and genetic evidence.

NM_020738.4(KIDINS220):c.5106G>T (p.Met1702Ile)

Gene: KIDINS220 (kinase D interacting substrate 220; minus strand). Cytogenetic location: 2p25.1.
Variant type: single nucleotide variant.
Coding change: c.5106G>T on transcript NM_020738.4 (MANE Select); coding-DNA position 5106, G replaced by T.
Protein change: p.Met1702Ile; replaces methionine 1702 with isoleucine.
Molecular consequence: missense variant. On other transcripts: intron variant (6).
Genome position (GRCh38, 1-based): chr2:8,730,930, C>A on the plus strand (G>T on the coding strand, the complement: KIDINS220 is on the minus strand). VCF-style: chr2-8730930-C-A. GRCh37 (hg19) VCF-style: chr2-8871060-C-A.
Other names: c.5109G>T, p.Met1703Ile (NM_001348729.2); c.5052G>T, p.Met1684Ile (NM_001348731.2); c.5049G>T, p.Met1683Ile (NM_001348732.2); c.4938G>T, p.Met1646Ile (NM_001348734.2); c.4935G>T, p.Met1645Ile (NM_001348735.2); c.4809G>T, p.Met1603Ile (NM_001348736.2); c.3882+2514G>T (NM_001348741.2, NM_001348742.2, NM_001348743.2); c.3996+2514G>T (NM_001348738.2); and 1 more; short protein forms M1645I, M1684I, M1702I, M1683I, M1703I, M1603I, M1646I.
Identifiers: ClinVar variation 4998316 (VCV004998316.1).